The following is an entry in ClinVar:

NM_018965.4(TREM2):c.*26A>G

Gene: TREM2 (triggering receptor expressed on myeloid cells 2; minus strand). Cytogenetic location: 6p21.1.
Variant type: single nucleotide variant.
Coding change: c.*26A>G on transcript NM_018965.4 (MANE Select); 26 bases downstream of the stop codon, A replaced by G.
Molecular consequence: 3 prime UTR variant. On other transcripts: synonymous variant (1).
Genome position (GRCh38, 1-based): chr6:41,158,738, T>C on the plus strand (A>G on the coding strand, the complement: TREM2 is on the minus strand). VCF-style: chr6-41158738-T-C. GRCh37 (hg19) VCF-style: chr6-41126476-T-C.
Other names: c.525A>G, p.Pro175= (NM_001271821.2).
Identifiers: ClinVar variation 2131026 (VCV002131026.4), dbSNP rs2532382903, ClinGen allele CA2580074491.

ClinVar aggregate classification (germline): Uncertain significance (1 of 4 stars; one submission).

Submission:

Labcorp Genetics (formerly Invitae), Labcorp
Classification: Uncertain significance. Last evaluated: 2022-05-16. Review status: criteria provided, single submitter. Criteria: Invitae Variant Classification Sherloc (09022015). Collection method: clinical testing. Allele origin: germline.
Comment: In summary, the available evidence is currently insufficient to determine the role of this variant in disease. Therefore, it has been classified as a Variant of Uncertain Significance. This variant has not been reported in the literature in individuals affected with TREM2-related conditions. This variant is not present in population databases (gnomAD no frequency). This variant occurs in a non-coding region of the TREM2 gene. It does not change the encoded amino acid sequence of the TREM2 protein.